The following is an entry in ClinVar:

ClinVar aggregate classification (germline): Uncertain significance (1 of 4 stars; one submission).

Conditions:
Nephronophthisis. Also called: Juvenile Nephronophthisis. Identifiers: Orphanet 655, MedGen C0687120, MONDO:0019005, HP:0000090.

Submission:

Labcorp Genetics (formerly Invitae), Labcorp
Classification: Uncertain significance for Nephronophthisis. Last evaluated: 2022-08-16. Review status: criteria provided, single submitter. Criteria: Invitae Variant Classification Sherloc (09022015). Collection method: clinical testing. Allele origin: germline.
Comment: In summary, the available evidence is currently insufficient to determine the role of this variant in disease. Therefore, it has been classified as a Variant of Uncertain Significance. This sequence change replaces leucine, which is neutral and non-polar, with arginine, which is basic and polar, at codon 1250 of the NPHP4 protein (p.Leu1250Arg). This variant is not present in population databases (gnomAD no frequency). This variant has not been reported in the literature in individuals affected with NPHP4-related conditions. Algorithms developed to predict the effect of missense changes on protein structure and function are either unavailable or do not agree on the potential impact of this missense change (SIFT: "Deleterious"; PolyPhen-2: "Probably Damaging"; Align-GVGD: "Class C0").

NM_015102.5(NPHP4):c.3749T>G (p.Leu1250Arg)

Gene: NPHP4 (nephrocystin 4; minus strand). Cytogenetic location: 1p36.31.
Variant type: single nucleotide variant.
Coding change: c.3749T>G on transcript NM_015102.5 (MANE Select); coding-DNA position 3749, T replaced by G.
Protein change: p.Leu1250Arg; replaces leucine 1250 with arginine.
Molecular consequence: missense variant. On other transcripts: non-coding transcript variant (1).
Genome position (GRCh38, 1-based): chr1:5,865,169, A>C on the plus strand (T>G on the coding strand, the complement: NPHP4 is on the minus strand). VCF-style: chr1-5865169-A-C. GRCh37 (hg19) VCF-style: chr1-5925229-A-C.
Other names: c.2210T>G, p.Leu737Arg (NM_001291593.2); c.2213T>G, p.Leu738Arg (NM_001291594.2); short protein forms L1250R, L737R, L738R.
Identifiers: ClinVar variation 2102611 (VCV002102611.4), dbSNP rs2522695870, ClinGen allele CA338050148.